The following is an entry in ClinVar:

NM_001363118.2(SLC52A2):c.54_55del (p.Phe19fs)

Gene: SLC52A2 (solute carrier family 52 member 2; plus strand). Cytogenetic location: 8q24.3.
Variant type: Microsatellite.
Coding change: c.54_55del on transcript NM_001363118.2 (MANE Select); coding-DNA positions 54 to 55, 2 bases deleted (CT; older notation c.54_55delCT).
Protein change: p.Phe19fs; shifts the reading frame from phenylalanine 19.
Molecular consequence: frameshift variant.
Genome position (GRCh38, 1-based): chr8:144,359,347-144,359,348, CT deleted; deleting any 2 consecutive bases within chr8:144,359,343-144,359,348 gives the same sequence; the c. name uses the placement nearest the transcript's 3' end. VCF-style (leftmost placement, unchanged base first): chr8-144359342-GCT-G. GRCh37 (hg19) VCF-style: chr8-145583002-GCT-G.
Other names: c.54_55del, p.Phe19fs (NM_001253815.2, NM_001253816.2, NM_001363120.2 and 3 more transcripts); short protein forms F19fs.
Identifiers: ClinVar variation 2840454 (VCV002840454.3), dbSNP rs2489035158, ClinGen allele CA2739269033.

ClinVar aggregate classification (germline): Pathogenic (1 of 4 stars; one submission).

Conditions:
Brown-Vialetto-van Laere syndrome 2. Also called: SPINOCEREBELLAR ATAXIA WITH BLINDNESS AND DEAFNESS 2; Riboflavin transporter deficiency type 2. Identifiers: Orphanet 572543, Orphanet 97229, MedGen C3553538, MONDO:0013867, OMIM 614707.

Submission:

Labcorp Genetics (formerly Invitae), Labcorp
Classification: Pathogenic for Brown-Vialetto-van Laere syndrome 2. Last evaluated: 2023-02-24. Review status: criteria provided, single submitter. Criteria: Invitae Variant Classification Sherloc (09022015). Collection method: clinical testing. Allele origin: germline.
Comment: This sequence change creates a premature translational stop signal (p.Phe19Argfs*170) in the SLC52A2 gene. It is expected to result in an absent or disrupted protein product. Loss-of-function variants in SLC52A2 are known to be pathogenic (PMID: 24253200). This variant is not present in population databases (gnomAD no frequency). This variant has not been reported in the literature in individuals affected with SLC52A2-related conditions. For these reasons, this variant has been classified as Pathogenic.

Literature cited by the submitters: PubMed 24253200.